The following is an entry in ClinVar:

ClinVar aggregate classification (germline): Conflicting classifications of pathogenicity. Review status: criteria provided, conflicting classifications (1 of 4 stars). 2 submissions from 2 submitters: Uncertain significance (1); Benign (1). Last evaluated 2025-12-03.

Conditions:
Hereditary cancer-predisposing syndrome. Also called: Tumor predisposition; Neoplastic Syndromes, Hereditary; Hereditary Cancer Syndrome; Hereditary neoplastic syndrome. Identifiers: Orphanet 140162, MedGen C0027672, MeSH D009386, MONDO:0015356.
Gorlin syndrome. Also called: Basal cell nevus syndrome; Nevoid Basal Cell Carcinoma Syndrome. Identifiers: Orphanet 377, MedGen C0004779, MONDO:0007187.

Allele frequency attached by ClinVar (database versions not stated): ExAC 0.00001; gnomAD 0.00001; gnomAD exomes 0.00002.
gnomAD v4.1: 11 of 1,612,978 alleles (0.00068%); highest among the groups gnomAD compares: South Asian, 0.012%; no homozygotes.

Submissions (2):

Ambry Genetics
Classification: Uncertain significance for Hereditary cancer-predisposing syndrome. Last evaluated: 2025-12-03. Review status: criteria provided, single submitter. Criteria: Ambry Variant Classification Scheme 2023. Collection method: clinical testing. Allele origin: germline.
Comment: The p.P1362L variant (also known as c.4085C>T), located in coding exon 23 of the PTCH1 gene, results from a C to T substitution at nucleotide position 4085. The proline at codon 1362 is replaced by leucine, an amino acid with similar properties. This amino acid position is conserved. In addition, the in silico prediction for this alteration is inconclusive. Since supporting evidence is limited at this time, the clinical significance of this alteration remains unclear.

Labcorp Genetics (formerly Invitae), Labcorp
Classification: Benign for Gorlin syndrome. Last evaluated: 2025-11-25. Review status: criteria provided, single submitter. Criteria: Invitae Variant Classification Sherloc (09022015). Collection method: clinical testing. Allele origin: germline.

NM_000264.5(PTCH1):c.4085C>T (p.Pro1362Leu)

Gene: PTCH1 (patched 1; minus strand). Cytogenetic location: 9q22.32.
Variant type: single nucleotide variant.
Coding change: c.4085C>T on transcript NM_000264.5 (MANE Select); coding-DNA position 4085, C replaced by T.
Protein change: p.Pro1362Leu; replaces proline 1362 with leucine.
Molecular consequence: missense variant. On other transcripts: non-coding transcript variant (1).
Genome position (GRCh38, 1-based): chr9:95,447,171, G>A on the plus strand (C>T on the coding strand, the complement: PTCH1 is on the minus strand). VCF-style: chr9-95447171-G-A. GRCh37 (hg19) VCF-style: chr9-98209453-G-A.
Other names: c.3887C>T, p.Pro1296Leu (NM_001083602.3); c.4082C>T, p.Pro1361Leu (NM_001083603.3); c.3632C>T, p.Pro1211Leu (NM_001083604.3, NM_001083605.3, NM_001083606.3 and 1 more transcripts); c.3929C>T, p.Pro1310Leu (NM_001354918.2); c.4085C>T (NM_000264.3); short protein forms P1211L, P1296L, P1310L, P1361L, P1362L.
Identifiers: ClinVar variation 1060394 (VCV001060394.11), dbSNP rs777731495, ClinGen allele CA5137958.